The following is an entry in ClinVar:

ClinVar aggregate classification (germline): Uncertain significance (1 of 4 stars; one submission).

Conditions:
Early-infantile DEE. Also called: Ohtahara syndrome; Early infantile epileptic encephalopathy; Early infantile epileptic encephalopathy with suppression bursts. Identifiers: Orphanet 1934, MedGen C0393706, MONDO:0800491.

Submission:

Labcorp Genetics (formerly Invitae), Labcorp
Classification: Uncertain significance for Early-infantile DEE. Last evaluated: 2023-08-07. Review status: criteria provided, single submitter. Criteria: Invitae Variant Classification Sherloc (09022015). Collection method: clinical testing. Allele origin: germline.
Comment: Advanced modeling of protein sequence and biophysical properties (such as structural, functional, and spatial information, amino acid conservation, physicochemical variation, residue mobility, and thermodynamic stability) performed at Invitae indicates that this missense variant is not expected to disrupt SCN1A protein function. In summary, the available evidence is currently insufficient to determine the role of this variant in disease. Therefore, it has been classified as a Variant of Uncertain Significance. This variant has not been reported in the literature in individuals affected with SCN1A-related conditions. This sequence change replaces leucine, which is neutral and non-polar, with methionine, which is neutral and non-polar, at codon 608 of the SCN1A protein (p.Leu608Met). This variant is not present in population databases (gnomAD no frequency).

NM_001165963.4(SCN1A):c.1822T>A (p.Leu608Met)

Gene: SCN1A (sodium voltage-gated channel alpha subunit 1; minus strand). Cytogenetic location: 2q24.3.
Variant type: single nucleotide variant.
Coding change: c.1822T>A on transcript NM_001165963.4 (MANE Select); coding-DNA position 1822, T replaced by A.
Protein change: p.Leu608Met; replaces leucine 608 with methionine.
Molecular consequence: missense variant. On other transcripts: 5 prime UTR variant (1), non-coding transcript variant (1).
Genome position (GRCh38, 1-based): chr2:166,043,890, A>T on the plus strand (T>A on the coding strand, the complement: SCN1A is on the minus strand). VCF-style: chr2-166043890-A-T. GRCh37 (hg19) VCF-style: chr2-166900400-A-T.
Other names: c.1822T>A, p.Leu608Met (NM_001165964.3, NM_001202435.3, NM_001353948.2 and 7 more transcripts); c.1819T>A, p.Leu607Met (NM_001353954.2, NM_001353955.2, NM_001353960.2); c.-604T>A (NM_001353961.2); short protein forms L608M, L607M.
Identifiers: ClinVar variation 2750959 (VCV002750959.3), dbSNP rs777327423, ClinGen allele CA349067548.